The following is an entry in ClinVar:

ClinVar aggregate classification (germline): Pathogenic (1 of 4 stars; one submission).

Conditions:
Alstrom syndrome (ALMS). Identifiers: Orphanet 64, MedGen C0268425, MONDO:0008763, OMIM 203800.

Submission:

Labcorp Genetics (formerly Invitae), Labcorp
Classification: Pathogenic for Alstrom syndrome. Last evaluated: 2019-10-02. Review status: criteria provided, single submitter. Criteria: Invitae Variant Classification Sherloc (09022015). Collection method: clinical testing. Allele origin: germline.
Comment: For these reasons, this variant has been classified as Pathogenic. Loss-of-function variants in ALMS1 are known to be pathogenic (PMID: 17594715). This variant has not been reported in the literature in individuals with ALMS1-related conditions. This variant is not present in population databases (ExAC no frequency). This sequence change creates a premature translational stop signal (p.Ser2069Argfs*10) in the ALMS1 gene. It is expected to result in an absent or disrupted protein product.

Literature cited by the submitters: PubMed 17594715.

NM_001378454.1(ALMS1):c.6204_6208del (p.Ser2068fs)

Gene: ALMS1 (ALMS1 centrosome and basal body associated protein; plus strand). Cytogenetic location: 2p13.1.
Variant type: Deletion.
Coding change: c.6204_6208del on transcript NM_001378454.1 (MANE Select); coding-DNA positions 6204 to 6208, 5 bases deleted (TAAAG; older notation c.6204_6208delTAAAG).
Protein change: p.Ser2068fs; shifts the reading frame from serine 2068.
Molecular consequence: frameshift variant.
Genome position (GRCh38, 1-based): chr2:73,452,731-73,452,735, TAAAG deleted; deleting any 5 consecutive bases within chr2:73,452,727-73,452,735 gives the same sequence; the c. name uses the placement nearest the transcript's 3' end. VCF-style (leftmost placement, unchanged base first): chr2-73452726-CAAAGT-C. GRCh37 (hg19) VCF-style: chr2-73679853-CAAAGT-C.
Other names: c.6207_6211del, p.Ser2069fs (NM_015120.4); short protein forms S2068fs, S2069fs.
Identifiers: ClinVar variation 936843 (VCV000936843.7), dbSNP rs1671974033, ClinGen allele CA1139657115.